The following is an entry in ClinVar:

ClinVar aggregate classification (germline): Uncertain significance (1 of 4 stars; one submission).

Submission:

Greenwood Genetic Center Diagnostic Laboratories, Greenwood Genetic Center
Classification: Uncertain significance. Last evaluated: 2024-02-14. Review status: criteria provided, single submitter. Criteria: ACMG Guidelines, 2015. Collection method: clinical testing. Allele origin: germline. Affected: yes.
Comment: PM2

NM_001330360.2(POLA1):c.644C>T (p.Ser215Phe)

Gene: POLA1 (DNA polymerase alpha 1, catalytic subunit; plus strand). Cytogenetic location: Xp22.11.
Variant type: single nucleotide variant.
Coding change: c.644C>T on transcript NM_001330360.2 (MANE Select); coding-DNA position 644, C replaced by T.
Protein change: p.Ser215Phe; replaces serine 215 with phenylalanine.
Molecular consequence: missense variant. On other transcripts: non-coding transcript variant (2).
Genome position (GRCh38, 1-based): chrX:24,716,909, C>T. VCF-style: chrX-24716909-C-T. GRCh37 (hg19) VCF-style: chrX-24735026-C-T.
Other names: c.644C>T, p.Ser215Phe (NM_001378303.1); c.626C>T, p.Ser209Phe (NM_016937.4); short protein forms S209F, S215F.
Identifiers: ClinVar variation 3235744 (VCV003235744.1), dbSNP rs2518761905, ClinGen allele CA412528890.
Genomic context (GRCh38, chrX:24,716,909, plus strand): 5'-GGTCTAACTGACTAAATATTTAAAAACGTTTACAGGCAGTTCCTTCAGGAAAAATTGCTT[C>T]CCCTGTCTCCAGAAAGGAGCCTCCATTAACTCCTGTTCCTCTTAAACGTGCTGAATTTGC-3'
Protein context (NP_001317289.1, residues 205-225): ATAVPSGKIA[Ser215Phe]PVSRKEPPLT